The following is an entry in ClinVar:

NM_152703.5(SAMD9L):c.3627G>C (p.Gln1209His)

Gene: SAMD9L (sterile alpha motif domain containing 9 like; minus strand). Cytogenetic location: 7q21.2.
Variant type: single nucleotide variant.
Coding change: c.3627G>C on transcript NM_152703.5 (MANE Select); coding-DNA position 3627, G replaced by C.
Protein change: p.Gln1209His; replaces glutamine 1209 with histidine.
Molecular consequence: missense variant.
Genome position (GRCh38, 1-based): chr7:93,132,345, C>G on the plus strand (G>C on the coding strand, the complement: SAMD9L is on the minus strand). VCF-style: chr7-93132345-C-G. GRCh37 (hg19) VCF-style: chr7-92761658-C-G.
Other names: c.3627G>C, p.Gln1209His (NM_001303496.3, NM_001303497.3, NM_001303498.3 and 5 more transcripts); short protein forms Q1209H.
Identifiers: ClinVar variation 3949993 (VCV003949993.1).

ClinVar aggregate classification (germline): Uncertain significance (1 of 4 stars; one submission).

Conditions:
Inborn genetic diseases. Identifiers: MedGen C0950123, MeSH D030342.

Submission:

Ambry Genetics
Classification: Uncertain significance for Inborn genetic diseases. Last evaluated: 2025-06-02. Review status: criteria provided, single submitter. Criteria: Ambry Variant Classification Scheme 2023. Collection method: clinical testing. Allele origin: germline.
Comment: The p.Q1209H variant (also known as c.3627G>C), located in coding exon 1 of the SAMD9L gene, results from a G to C substitution at nucleotide position 3627. The glutamine at codon 1209 is replaced by histidine, an amino acid with highly similar properties. This amino acid position is conserved. In addition, this alteration is predicted to be tolerated by in silico analysis. Based on the available evidence, the clinical significance of this variant remains unclear.